The following is an entry in ClinVar:

NM_000069.3(CACNA1S):c.278T>C (p.Phe93Ser)

Gene: CACNA1S (calcium voltage-gated channel subunit alpha1 S; minus strand). Cytogenetic location: 1q32.1.
Variant type: single nucleotide variant.
Coding change: c.278T>C on transcript NM_000069.3 (MANE Select); coding-DNA position 278, T replaced by C.
Protein change: p.Phe93Ser; replaces phenylalanine 93 with serine.
Molecular consequence: missense variant.
Genome position (GRCh38, 1-based): chr1:201,094,002, A>G on the plus strand (T>C on the coding strand, the complement: CACNA1S is on the minus strand). VCF-style: chr1-201094002-A-G. GRCh37 (hg19) VCF-style: chr1-201063130-A-G.
Other names: c.278T>C (NM_000069.2); short protein forms F93S.
Identifiers: ClinVar variation 3386407 (VCV003386407.4).

ClinVar aggregate classification (germline): Uncertain significance. Review status: criteria provided, multiple submitters, no conflicts (2 of 4 stars). 4 submissions from 4 submitters: Uncertain significance (4). Last evaluated 2026-03-31.

Conditions:
Malignant hyperthermia, susceptibility to, 5 (MHS5). Also called: CACNA1S-Related Malignant Hyperthermia Susceptibility. Identifiers: Orphanet 423, MedGen C1866077, MONDO:0011163, OMIM 601887.
Hypokalemic periodic paralysis, type 1. Also called: HypoPP; Hypokalemic Periodic Paralysis Type 1 (AD). Identifiers: Orphanet 681, MedGen C3714580, MONDO:0042979, OMIM 170400.

Submissions (4):

GeneDx
Classification: Uncertain significance. Last evaluated: 2026-03-31. Review status: criteria provided, single submitter. Criteria: GeneDx Variant Classification Process June 2021. Collection method: clinical testing. Allele origin: germline.
Comment: Not observed at significant frequency in large population cohorts (gnomAD); In silico analysis supports that this missense variant has a deleterious effect on protein structure/function; Has not been previously published as pathogenic or benign to our knowledge

Labcorp Genetics (formerly Invitae), Labcorp
Classification: Uncertain significance for Hypokalemic periodic paralysis, type 1; Malignant hyperthermia, susceptibility to, 5. Last evaluated: 2025-11-11. Review status: criteria provided, single submitter. Criteria: Invitae Variant Classification Sherloc (09022015). Collection method: clinical testing. Allele origin: germline.
Comment: This sequence change replaces phenylalanine, which is neutral and non-polar, with serine, which is neutral and polar, at codon 93 of the CACNA1S protein (p.Phe93Ser). This variant is not present in population databases (gnomAD no frequency). This variant has not been reported in the literature in individuals affected with CACNA1S-related conditions. ClinVar contains an entry for this variant (Variation ID: 3386407). Invitae Evidence Modeling of protein sequence and biophysical properties (such as structural, functional, and spatial information, amino acid conservation, physicochemical variation, residue mobility, and thermodynamic stability) has been performed for this missense variant. However, the output from this modeling did not meet the statistical confidence thresholds required to predict the impact of this variant on CACNA1S protein function. In summary, the available evidence is currently insufficient to determine the role of this variant in disease. Therefore, it has been classified as a Variant of Uncertain Significance.

Color Diagnostics, LLC DBA Color Health
Classification: Uncertain significance for Malignant hyperthermia, susceptibility to, 5. Last evaluated: 2025-07-28. Review status: criteria provided, single submitter. Criteria: ACMG Guidelines, 2015. Collection method: clinical testing. Allele origin: germline.
Comment: This missense variant replaces phenylalanine with serine at codon 93 of the CACNA1S protein. Computational prediction suggests that this variant may have deleterious impact on protein structure and function. To our knowledge, functional studies have not been reported for this variant. This variant has not been reported in individuals affected with CACNA1S-related disorders in the literature. This variant has not been identified in the general population by the Genome Aggregation Database (gnomAD). The available evidence is insufficient to determine the role of this variant in disease conclusively. Therefore, this variant is classified as a Variant of Uncertain Significance.

All of Us Research Program, National Institutes of Health
Classification: Uncertain significance for Malignant hyperthermia, susceptibility to, 5. Last evaluated: 2024-03-05. Review status: criteria provided, single submitter. Criteria: ACMG Guidelines, 2015. Collection method: clinical testing. Allele origin: germline. Inheritance: Autosomal dominant inheritance. Observed: 1 variant allele, 1 heterozygote.
Comment: This study involves interpretation of variants in research participants for the purpose of population health screening. Participant phenotype was not available at the time of variant classification. Additional details can be found in publication PMID: 35346344, PMCID: PMC8962531